The following is an entry in ClinVar:

NM_002334.4(LRP4):c.3452G>A (p.Gly1151Asp)

Gene: LRP4 (LDL receptor related protein 4; minus strand). Cytogenetic location: 11p11.2.
Variant type: single nucleotide variant.
Coding change: c.3452G>A on transcript NM_002334.4 (MANE Select); coding-DNA position 3452, G replaced by A.
Protein change: p.Gly1151Asp; replaces glycine 1151 with aspartic acid.
Molecular consequence: missense variant.
Genome position (GRCh38, 1-based): chr11:46,876,550, C>T on the plus strand (G>A on the coding strand, the complement: LRP4 is on the minus strand). VCF-style: chr11-46876550-C-T. GRCh37 (hg19) VCF-style: chr11-46898101-C-T.
Other names: short protein forms G1151D.
Identifiers: ClinVar variation 2098442 (VCV002098442.2), dbSNP rs370497551, ClinGen allele CA5969595.
Genomic context (GRCh38, chr11:46,876,550, plus strand): 5'-GCCCGGGGACTGTCAAGGTTCTGCCACACCAACACTTTCCGCATGGACCCGTCCAGGTTG[C>T]CCACTTCAATCCGGTTTGTTCCCGTGTCTGTCCAGTATACTTTCCGGCCAATGGCATCAA-3'
Protein context (NP_002325.2, residues 1141-1161): TDTGTNRIEV[Gly1151Asp]NLDGSMRKVL

ClinVar aggregate classification (germline): Uncertain significance (1 of 4 stars; one submission).

Conditions:
Cenani-Lenz syndactyly syndrome. Also called: CENANI SYNDACTYLISM; SYNDACTYLY, TYPE VII. Identifiers: Orphanet 3258, MedGen C1859309, MONDO:0008931, OMIM 212780.
Congenital myasthenic syndrome 17. Identifiers: Orphanet 590, MedGen C4225377, MONDO:0014578, OMIM 616304.
Sclerosteosis 2 (SOST2). Identifiers: Orphanet 3152, MedGen C3280402, MONDO:0013679, OMIM 614305.

Allele frequency attached by ClinVar (database versions not stated): gnomAD exomes 0.00005; ExAC 0.00006; ESP Exome Variant Server 0.00008; TOPMed 0.00004; gnomAD 0.00005.
gnomAD v4.1: 87 of 1,614,220 alleles (0.0054%); highest among the groups gnomAD compares: Middle Eastern, 0.016%; no homozygotes.

Submission:

Labcorp Genetics (formerly Invitae), Labcorp
Classification: Uncertain significance for Cenani-Lenz syndactyly syndrome; Sclerosteosis 2; Congenital myasthenic syndrome 17. Last evaluated: 2022-02-09. Review status: criteria provided, single submitter. Criteria: Invitae Variant Classification Sherloc (09022015). Collection method: clinical testing. Allele origin: germline.
Comment: This sequence change replaces glycine, which is neutral and non-polar, with aspartic acid, which is acidic and polar, at codon 1151 of the LRP4 protein (p.Gly1151Asp). This variant is present in population databases (rs370497551, gnomAD 0.007%). This variant has not been reported in the literature in individuals affected with LRP4-related conditions. Algorithms developed to predict the effect of missense changes on protein structure and function are either unavailable or do not agree on the potential impact of this missense change (SIFT: "Deleterious"; PolyPhen-2: "Benign"; Align-GVGD: "Class C15"). In summary, the available evidence is currently insufficient to determine the role of this variant in disease. Therefore, it has been classified as a Variant of Uncertain Significance.